The following is an entry in ClinVar:

NM_207361.6(FREM2):c.7398A>G (p.Thr2466=)

Gene: FREM2 (FRAS1 related extracellular matrix 2; plus strand). Cytogenetic location: 13q13.3.
Variant type: single nucleotide variant.
Coding change: c.7398A>G on transcript NM_207361.6 (MANE Select); coding-DNA position 7398, A replaced by G.
Protein change: p.Thr2466=; no amino-acid change (threonine 2466 retained).
Molecular consequence: synonymous variant.
Genome position (GRCh38, 1-based): chr13:38,859,469, A>G. VCF-style: chr13-38859469-A-G. GRCh37 (hg19) VCF-style: chr13-39433606-A-G.
Other names: p.Thr2466=.
Identifiers: ClinVar variation 263301 (VCV000263301.18), dbSNP rs9532292, ClinGen allele CA6955850.

ClinVar aggregate classification (germline): Benign. Review status: criteria provided, multiple submitters, no conflicts (2 of 4 stars). 8 submissions from 7 submitters: Benign (8). Last evaluated 2026-02-04.

Conditions:
Fraser syndrome 2 (FRASRS2). Identifiers: MedGen C4540036, MONDO:0054738, OMIM 617666.
Isolated cryptophthalmia. Also called: Cryptophthalmos, unilateral or bilateral, isolated; ANKYLOBLEPHARON, SIMPLE. Identifiers: Orphanet 91396, MedGen C1852453, MONDO:0007410, OMIM 123570.

Allele frequency attached by ClinVar (database versions not stated): gnomAD exomes 0.33676 and 0.37332; ExAC 0.37337; gnomAD 0.39041 and 0.39178; ESP Exome Variant Server 0.39782; TOPMed 0.41158; 1000 Genomes Project 0.43670; 1000 Genomes Project 30x 0.43988.
gnomAD v4.1: 552,485 of 1,613,642 alleles (34%); highest among the groups gnomAD compares: African/African-American, 56%; 98,682 homozygotes.

Submissions (8):

Labcorp Genetics (formerly Invitae), Labcorp
Classification: Benign. Last evaluated: 2026-02-04. Review status: criteria provided, single submitter. Criteria: Invitae Variant Classification Sherloc (09022015). Collection method: clinical testing. Allele origin: germline.

Blueprint Genetics
Classification: Benign. Last evaluated: 2024-11-27. Review status: criteria provided, single submitter. Criteria: ACMG Guidelines, 2015. Collection method: clinical testing. Allele origin: germline.

Mayo Clinic Laboratories, Mayo Clinic
Classification: Benign. Last evaluated: 2022-03-09. Review status: criteria provided, single submitter. Criteria: ACMG Guidelines, 2015. Collection method: clinical testing. Allele origin: germline. Observed: 47 variant alleles.

Genome-Nilou Lab
Classification: Benign for Isolated cryptophthalmia. Last evaluated: 2021-08-10. Review status: criteria provided, single submitter. Criteria: ACMG Guidelines, 2015. Collection method: clinical testing. Allele origin: germline. Affected: no.

Genome-Nilou Lab
Classification: Benign for Fraser syndrome 2. Last evaluated: 2021-08-10. Review status: criteria provided, single submitter. Criteria: ACMG Guidelines, 2015. Collection method: clinical testing. Allele origin: germline. Affected: no.

Illumina Laboratory Services, Illumina
Classification: Benign for Fraser syndrome 2. Last evaluated: 2018-01-12. Review status: criteria provided, single submitter. Criteria: ICSL Variant Classification Criteria 13 December 2019. Collection method: clinical testing. Allele origin: germline.
Comment: This variant was observed in the ICSL laboratory as part of a predisposition screen in an ostensibly healthy population. It had not been previously curated by ICSL or reported in the Human Gene Mutation Database (HGMD: prior to June 1st, 2018), and was therefore a candidate for classification through an automated scoring system. Utilizing variant allele frequency, disease prevalence and penetrance estimates, and inheritance mode, an automated score was calculated to assess if this variant is too frequent to cause the disease. Based on the score and internal cut-off values, a variant classified as benign is not then subjected to further curation. The score for this variant resulted in a classification of benign for this disease.

Breakthrough Genomics
Classification: Benign. Review status: criteria provided, single submitter. Criteria: ACMG Guidelines, 2015. Collection method: not provided. Allele origin: germline. Inheritance: Autosomal recessive inheritance. Affected: yes.

PreventionGenetics, part of Exact Sciences
Classification: Benign. Review status: criteria provided, single submitter. Criteria: ACMG Guidelines, 2015. Collection method: clinical testing. Allele origin: germline.